The following is an entry in ClinVar:

ClinVar aggregate classification (germline): Uncertain significance (1 of 4 stars; one submission).

Allele frequency attached by ClinVar (database versions not stated): gnomAD exomes 0.00002; gnomAD 0.00003; ExAC 0.00007.
gnomAD v4.1: 49 of 1,612,854 alleles (0.003%); highest among the groups gnomAD compares: East Asian, 0.016%; no homozygotes.

Submission:

Labcorp Genetics (formerly Invitae), Labcorp
Classification: Uncertain significance. Last evaluated: 2022-10-04. Review status: criteria provided, single submitter. Criteria: Invitae Variant Classification Sherloc (09022015). Collection method: clinical testing. Allele origin: germline.
Comment: This sequence change replaces alanine, which is neutral and non-polar, with valine, which is neutral and non-polar, at codon 352 of the PLVAP protein (p.Ala352Val). In summary, the available evidence is currently insufficient to determine the role of this variant in disease. Therefore, it has been classified as a Variant of Uncertain Significance. Advanced modeling of protein sequence and biophysical properties (such as structural, functional, and spatial information, amino acid conservation, physicochemical variation, residue mobility, and thermodynamic stability) performed at Invitae indicates that this missense variant is not expected to disrupt PLVAP protein function. This variant has not been reported in the literature in individuals affected with PLVAP-related conditions. This variant is present in population databases (rs750288854, gnomAD 0.03%).

NM_031310.3(PLVAP):c.1055C>T (p.Ala352Val)

Gene: PLVAP (plasmalemma vesicle associated protein; minus strand). Cytogenetic location: 19p13.11.
Variant type: single nucleotide variant.
Coding change: c.1055C>T on transcript NM_031310.3 (MANE Select); coding-DNA position 1055, C replaced by T.
Protein change: p.Ala352Val; replaces alanine 352 with valine.
Molecular consequence: missense variant.
Genome position (GRCh38, 1-based): chr19:17,365,410, G>A on the plus strand (C>T on the coding strand, the complement: PLVAP is on the minus strand). VCF-style: chr19-17365410-G-A. GRCh37 (hg19) VCF-style: chr19-17476219-G-A.
Other names: short protein forms A352V.
Identifiers: ClinVar variation 2189456 (VCV002189456.2), dbSNP rs750288854, ClinGen allele CA9293895.